The following is an entry in ClinVar:

ClinVar aggregate classification (germline): Benign/Likely benign. Review status: criteria provided, multiple submitters, no conflicts (2 of 4 stars). 4 submissions from 4 submitters: Benign (2); Likely benign (1). 1 of the submissions does not count toward it. Last evaluated 2026-01-25.

Conditions:
TRAPPC11-related disorder. Also called: TRAPPC11-related condition.
Autosomal recessive limb-girdle muscular dystrophy type R18 (LGMDR18). Also called: Limb-girdle muscular dystrophy, type 2S; Autosomal recessive limb-girdle muscular dystrophy type 2S; MUSCULAR DYSTROPHY, LIMB-GIRDLE, AUTOSOMAL RECESSIVE 18. Identifiers: Orphanet 369840, MedGen C4517996, MONDO:0014144, OMIM 615356.

Allele frequency attached by ClinVar (database versions not stated): ESP Exome Variant Server 0.00008; gnomAD 0.00041 and 0.00059; TOPMed 0.00068; 1000 Genomes Project 30x 0.00328; 1000 Genomes Project 0.00339.
gnomAD v4.1: 771 of 1,613,984 alleles (0.048%); highest among the groups gnomAD compares: East Asian, 1.1%; 8 homozygotes.

Submissions (4):

Labcorp Genetics (formerly Invitae), Labcorp
Classification: Benign for Autosomal recessive limb-girdle muscular dystrophy type R18. Last evaluated: 2026-01-25. Review status: criteria provided, single submitter. Criteria: Invitae Variant Classification Sherloc (09022015). Collection method: clinical testing. Allele origin: germline.

Athena Diagnostics
Classification: Benign. Last evaluated: 2021-02-24. Review status: criteria provided, single submitter. Criteria: Athena Diagnostics criteria. Collection method: clinical testing. Allele origin: unknown.

GeneDx
Classification: Likely benign. Last evaluated: 2020-11-02. Review status: criteria provided, single submitter. Criteria: GeneDx Variant Classification Process June 2021. Collection method: clinical testing. Allele origin: germline. Affected: yes.

PreventionGenetics, part of Exact Sciences
Classification: Benign for TRAPPC11-related condition. Last evaluated: 2022-01-28. Review status: no assertion criteria provided. Collection method: clinical testing. Allele origin: germline. Not counted in ClinVar's aggregate classification.
Comment: This variant is classified as benign based on ACMG/AMP sequence variant interpretation guidelines (Richards et al. 2015 PMID: 25741868, with internal and published modifications).

NM_021942.6(TRAPPC11):c.3092C>G (p.Pro1031Arg)

Gene: TRAPPC11 (trafficking protein particle complex subunit 11; plus strand). Cytogenetic location: 4q35.1.
Variant type: single nucleotide variant.
Coding change: c.3092C>G on transcript NM_021942.6 (MANE Select); coding-DNA position 3092, C replaced by G.
Protein change: p.Pro1031Arg; replaces proline 1031 with arginine.
Molecular consequence: missense variant.
Genome position (GRCh38, 1-based): chr4:183,706,843, C>G. VCF-style: chr4-183706843-C-G. GRCh37 (hg19) VCF-style: chr4-184627996-C-G.
Other names: c.3092C>G, p.Pro1031Arg (NM_199053.3); short protein forms P1031R.
Identifiers: ClinVar variation 448698 (VCV000448698.16), dbSNP rs200466260, ClinGen allele CA3152438.